The following is an entry in ClinVar:

ClinVar aggregate classification (germline): Uncertain significance (1 of 4 stars; one submission).

Conditions:
Adams-Oliver syndrome 5 (AOS5). Identifiers: Orphanet 974, MedGen C4014970, MONDO:0014459, OMIM 616028.

Submission:

Labcorp Genetics (formerly Invitae), Labcorp
Classification: Uncertain significance for Adams-Oliver syndrome 5. Last evaluated: 2024-07-03. Review status: criteria provided, single submitter. Criteria: Invitae Variant Classification Sherloc (09022015). Collection method: clinical testing. Allele origin: germline.
Comment: This variant, c.6844_6861del, results in the deletion of 6 amino acid(s) of the NOTCH1 protein (p.Thr2282_Gly2287del), but otherwise preserves the integrity of the reading frame. This variant is not present in population databases (gnomAD no frequency). This variant has not been reported in the literature in individuals affected with NOTCH1-related conditions. In summary, the available evidence is currently insufficient to determine the role of this variant in disease. Therefore, it has been classified as a Variant of Uncertain Significance.

NM_017617.5(NOTCH1):c.6844_6861del (p.Thr2282_Gly2287del)

Gene: NOTCH1 (notch receptor 1; minus strand). Cytogenetic location: 9q34.3.
Variant type: Deletion.
Coding change: c.6844_6861del on transcript NM_017617.5 (MANE Select); coding-DNA positions 6844 to 6861, 18 bases deleted (ACCAGCACCGTCCTGGGC).
Protein change: p.Thr2282_Gly2287del.
Genome position (GRCh38, 1-based): chr9:136,496,878-136,496,895, GCCCAGGACGGTGCTGGT deleted on the plus strand (ACCAGCACCGTCCTGGGC on the coding strand, the reverse complement: NOTCH1 is on the minus strand); deleting any 18 consecutive bases within chr9:136,496,878-136,496,898 gives the same sequence; the c. name uses the placement nearest the transcript's 3' end. VCF-style (leftmost placement, unchanged base first): chr9-136496877-AGCCCAGGACGGTGCTGGT-A. GRCh37 (hg19) VCF-style: chr9-139391329-AGCCCAGGACGGTGCTGGT-A.
Identifiers: ClinVar variation 3654682 (VCV003654682.2).